The following is an entry in ClinVar:

ClinVar aggregate classification (germline): Uncertain significance (1 of 4 stars; one submission).

Conditions:
Welander distal myopathy (WDM). Also called: Distal myopathy, Swedish type; Gower's muscular dystrophy; Welander distal myopathy, Swedish type; MUSCULAR DYSTROPHY, DISTAL, LATE-ONSET, AUTOSOMAL DOMINANT. Identifiers: Orphanet 603, MedGen C0221054, MONDO:0011466, OMIM 604454.

Allele frequency attached by ClinVar (database versions not stated): gnomAD exomes below 0.00001.
gnomAD v4.1: 1 of 1,613,896 alleles (0.000062%); highest among the groups gnomAD compares: African/African-American, 0.0013%; no homozygotes.

Submission:

Labcorp Genetics (formerly Invitae), Labcorp
Classification: Uncertain significance for Welander distal myopathy. Last evaluated: 2022-01-01. Review status: criteria provided, single submitter. Criteria: Invitae Variant Classification Sherloc (09022015). Collection method: clinical testing. Allele origin: germline.
Comment: Algorithms developed to predict the effect of missense changes on protein structure and function (SIFT, PolyPhen-2, Align-GVGD) all suggest that this variant is likely to be tolerated. In summary, the available evidence is currently insufficient to determine the role of this variant in disease. Therefore, it has been classified as a Variant of Uncertain Significance. This sequence change replaces proline, which is neutral and non-polar, with serine, which is neutral and polar, at codon 324 of the TIA1 protein (p.Pro324Ser). This variant is not present in population databases (gnomAD no frequency). This variant has not been reported in the literature in individuals affected with TIA1-related conditions.

NM_022173.4(TIA1):c.970C>T (p.Pro324Ser)

Gene: TIA1 (TIA1 cytotoxic granule associated RNA binding protein; minus strand). Cytogenetic location: 2p13.3.
Variant type: single nucleotide variant.
Coding change: c.970C>T on transcript NM_022173.4 (MANE Select); coding-DNA position 970, C replaced by T.
Protein change: p.Pro324Ser; replaces proline 324 with serine.
Molecular consequence: missense variant. On other transcripts: non-coding transcript variant (17).
Genome position (GRCh38, 1-based): chr2:70,214,413, G>A on the plus strand (C>T on the coding strand, the complement: TIA1 is on the minus strand). VCF-style: chr2-70214413-G-A. GRCh37 (hg19) VCF-style: chr2-70441545-G-A.
Other names: c.967C>T, p.Pro323Ser (NM_001351508.2); c.943C>T, p.Pro315Ser (NM_001351509.2); c.934C>T, p.Pro312Ser (NM_001351510.2); c.859C>T, p.Pro287Ser (NM_001351511.1); c.832C>T, p.Pro278Ser (NM_001351512.1); c.826C>T, p.Pro276Ser (NM_001351513.1); c.742C>T, p.Pro248Ser (NM_001351514.2); c.667C>T, p.Pro223Ser (NM_001351515.2); and 3 more; short protein forms P312S, P313S, P323S, P324S, P184S, P248S, P315S, P183S.
Identifiers: ClinVar variation 2068503 (VCV002068503.4), dbSNP rs2466462411, ClinGen allele CA347150026.